The following is an entry in ClinVar:

NM_024408.4(NOTCH2):c.3383A>G (p.Asn1128Ser)

Gene: NOTCH2 (notch receptor 2; minus strand). Cytogenetic location: 1p12.
Variant type: single nucleotide variant.
Coding change: c.3383A>G on transcript NM_024408.4 (MANE Select); coding-DNA position 3383, A replaced by G.
Protein change: p.Asn1128Ser; replaces asparagine 1128 with serine.
Molecular consequence: missense variant.
Genome position (GRCh38, 1-based): chr1:119,937,421, T>C on the plus strand (A>G on the coding strand, the complement: NOTCH2 is on the minus strand). VCF-style: chr1-119937421-T-C. GRCh37 (hg19) VCF-style: chr1-120480044-T-C.
Other names: c.3383A>G, p.Asn1128Ser (NM_001200001.2); short protein forms N1128S.
Identifiers: ClinVar variation 1021753 (VCV001021753.9), dbSNP rs1649897158, ClinGen allele CA341852111.

ClinVar aggregate classification (germline): Uncertain significance (1 of 4 stars; one submission).

Conditions:
Hajdu-Cheney syndrome (HJCYS). Also called: SERPENTINE FIBULA-POLYCYSTIC KIDNEY SYNDROME; ACROOSTEOLYSIS WITH OSTEOPOROSIS AND CHANGES IN SKULL AND MANDIBLE; Acroosteolysis dominant type. Identifiers: Orphanet 955, MedGen C0917715, MONDO:0007057, OMIM 102500.

Submission:

Labcorp Genetics (formerly Invitae), Labcorp
Classification: Uncertain significance for Hajdu-Cheney syndrome. Last evaluated: 2020-04-30. Review status: criteria provided, single submitter. Criteria: Invitae Variant Classification Sherloc (09022015). Collection method: clinical testing. Allele origin: germline.
Comment: Algorithms developed to predict the effect of sequence changes on RNA splicing suggest that this variant may create or strengthen a splice site, but this prediction has not been confirmed by published transcriptional studies. This sequence change replaces asparagine with serine at codon 1128 of the NOTCH2 protein (p.Asn1128Ser). The asparagine residue is moderately conserved and there is a small physicochemical difference between asparagine and serine. This variant is not present in population databases (ExAC no frequency). This variant has not been reported in the literature in individuals with NOTCH2-related conditions. Algorithms developed to predict the effect of missense changes on protein structure and function output the following: SIFT: "Tolerated"; PolyPhen-2: "Benign"; Align-GVGD: "Class C0". The serine amino acid residue is found in multiple mammalian species, suggesting that this missense change does not adversely affect protein function. These predictions have not been confirmed by published functional studies and their clinical significance is uncertain. In summary, the available evidence is currently insufficient to determine the role of this variant in disease. Therefore, it has been classified as a Variant of Uncertain Significance.